The following is an entry in ClinVar:

ClinVar aggregate classification (germline): Uncertain significance. Review status: criteria provided, multiple submitters, no conflicts (2 of 4 stars). 2 submissions from 2 submitters: Uncertain significance (2). Last evaluated 2024-03-07.

Conditions:
X-linked myopathy with postural muscle atrophy. Also called: FHL1-Related Emery-Dreifuss Muscular Dystrophy, X-Linked. Identifiers: Orphanet 178461, MedGen C2678055, MONDO:0010401, OMIM 300696.
Cardiovascular phenotype. Identifiers: MedGen CN230736.

Allele frequency attached by ClinVar (database versions not stated): gnomAD exomes 0.00001.
gnomAD v4.1: 5 of 1,211,387 alleles (0.00041%); highest among the groups gnomAD compares: Non-Finnish European, 0.00056%; no homozygotes.

Submissions (2):

Labcorp Genetics (formerly Invitae), Labcorp
Classification: Uncertain significance for X-linked myopathy with postural muscle atrophy. Last evaluated: 2024-03-07. Review status: criteria provided, single submitter. Criteria: Invitae Variant Classification Sherloc (09022015). Collection method: clinical testing. Allele origin: germline.
Comment: This sequence change replaces alanine, which is neutral and non-polar, with valine, which is neutral and non-polar, at codon 202 of the FHL1 protein (p.Ala202Val). This variant is not present in population databases (gnomAD no frequency). This variant has not been reported in the literature in individuals affected with FHL1-related conditions. ClinVar contains an entry for this variant (Variation ID: 2450876). An algorithm developed to predict the effect of missense changes on protein structure and function (PolyPhen-2) suggests that this variant is likely to be tolerated. In summary, the available evidence is currently insufficient to determine the role of this variant in disease. Therefore, it has been classified as a Variant of Uncertain Significance.

Ambry Genetics
Classification: Uncertain significance for Cardiovascular phenotype. Last evaluated: 2022-11-20. Review status: criteria provided, single submitter. Criteria: Ambry Variant Classification Scheme 2023. Collection method: clinical testing. Allele origin: germline.
Comment: The p.A202V variant (also known as c.605C>T), located in coding exon 4 of the FHL1 gene, results from a C to T substitution at nucleotide position 605. The alanine at codon 202 is replaced by valine, an amino acid with similar properties. This amino acid position is conserved. In addition, this alteration is predicted to be tolerated by in silico analysis. Since supporting evidence is limited at this time, the clinical significance of this alteration remains unclear.

NM_001159699.2(FHL1):c.653C>T (p.Ala218Val)

Gene: FHL1 (four and a half LIM domains 1; plus strand). Cytogenetic location: Xq26.3.
Variant type: single nucleotide variant.
Coding change: c.653C>T on transcript NM_001159699.2 (MANE Select); coding-DNA position 653, C replaced by T.
Protein change: p.Ala218Val; replaces alanine 218 with valine.
Molecular consequence: missense variant. On other transcripts: non-coding transcript variant (1), intron variant (2).
Genome position (GRCh38, 1-based): chrX:136,208,558, C>T. VCF-style: chrX-136208558-C-T. GRCh37 (hg19) VCF-style: chrX-135290717-C-T.
Other names: c.605C>T, p.Ala202Val (NM_001159700.2, NM_001159702.3, NM_001159704.1 and 8 more transcripts); c.692C>T, p.Ala231Val (NM_001159701.2); c.501+597C>T (NM_001159703.2); c.549+597C>T (NM_001330659.2); short protein forms A202V, A218V, A231V.
Identifiers: ClinVar variation 2450876 (VCV002450876.5), dbSNP rs2521302677, ClinGen allele CA414608925.